The following is an entry in ClinVar:

ClinVar aggregate classification (germline): Uncertain significance (1 of 4 stars; one submission).

Conditions:
PHGDH deficiency. Identifiers: Orphanet 79351, MedGen C1866174, MONDO:0011152, OMIM 601815.

Allele frequency attached by ClinVar (database versions not stated): ExAC 0.00002; TOPMed 0.00002.

Submission:

Labcorp Genetics (formerly Invitae), Labcorp
Classification: Uncertain significance for PHGDH deficiency. Last evaluated: 2022-03-04. Review status: criteria provided, single submitter. Criteria: Invitae Variant Classification Sherloc (09022015). Collection method: clinical testing. Allele origin: germline.
Comment: This sequence change replaces alanine, which is neutral and non-polar, with threonine, which is neutral and polar, at codon 244 of the PHGDH protein (p.Ala244Thr). This variant is present in population databases (rs755297912, gnomAD 0.02%). This missense change has been observed in individual(s) with macular telangiectasia (PMID: 33758422). Algorithms developed to predict the effect of missense changes on protein structure and function are either unavailable or do not agree on the potential impact of this missense change (SIFT: "Tolerated"; PolyPhen-2: "Possibly Damaging"; Align-GVGD: "Class C0"). Experimental studies have shown that this missense change affects PHGDH function (PMID: 33758422). In summary, the available evidence is currently insufficient to determine the role of this variant in disease. Therefore, it has been classified as a Variant of Uncertain Significance.

Literature cited by the submitters: PubMed 33758422.

NM_006623.4(PHGDH):c.730G>A (p.Ala244Thr)

Gene: PHGDH (phosphoglycerate dehydrogenase; plus strand). Cytogenetic location: 1p12.
Variant type: single nucleotide variant.
Coding change: c.730G>A on transcript NM_006623.4 (MANE Select); coding-DNA position 730, G replaced by A.
Protein change: p.Ala244Thr; replaces alanine 244 with threonine.
Molecular consequence: missense variant.
Genome position (GRCh38, 1-based): chr1:119,735,381, G>A. VCF-style: chr1-119735381-G-A. GRCh37 (hg19) VCF-style: chr1-120278004-G-A.
Other names: short protein forms A244T.
Identifiers: ClinVar variation 2193788 (VCV002193788.1), dbSNP rs755297912, ClinGen allele CA1037231.